The following is an entry in ClinVar:

NM_024675.4(PALB2):c.572C>G (p.Pro191Arg)

Gene: PALB2 (partner and localizer of BRCA2; minus strand). Cytogenetic location: 16p12.2.
Variant type: single nucleotide variant.
Coding change: c.572C>G on transcript NM_024675.4 (MANE Select); coding-DNA position 572, C replaced by G.
Protein change: p.Pro191Arg; replaces proline 191 with arginine.
Molecular consequence: missense variant. On other transcripts: 5 prime UTR variant (8), intron variant (3).
Genome position (GRCh38, 1-based): chr16:23,635,974, G>C on the plus strand (C>G on the coding strand, the complement: PALB2 is on the minus strand). VCF-style: chr16-23635974-G-C. GRCh37 (hg19) VCF-style: chr16-23647295-G-C.
Other names: c.512C>G, p.Pro171Arg (NM_001407296.1); c.572C>G, p.Pro191Arg (NM_001407297.1, NM_001407298.1, NM_001407299.1 and 3 more transcripts); c.-314C>G (NM_001407304.1, NM_001407305.1, NM_001407306.1 and 5 more transcripts); c.48+5136C>G (NM_001407314.1); c.-105+5136C>G (NM_001407313.1, NM_001407312.1); short protein forms P171R, P191R.
Identifiers: ClinVar variation 2745605 (VCV002745605.3), dbSNP rs1001733949, ClinGen allele CA395136790.

ClinVar aggregate classification (germline): Uncertain significance (1 of 4 stars; one submission).

Conditions:
Familial cancer of breast. Also called: hereditary breast carcinoma; Hereditary breast cancer; BREAST CANCER, FAMILIAL. Identifiers: Orphanet 227535, MedGen C0346153, MONDO:0016419, OMIM 114480. Disease mechanism: loss of function.

Submission:

Labcorp Genetics (formerly Invitae), Labcorp
Classification: Uncertain significance for Familial cancer of breast. Last evaluated: 2023-07-21. Review status: criteria provided, single submitter. Criteria: Invitae Variant Classification Sherloc (09022015). Collection method: clinical testing. Allele origin: germline.
Comment: In summary, the available evidence is currently insufficient to determine the role of this variant in disease. Therefore, it has been classified as a Variant of Uncertain Significance. An algorithm developed to predict the effect of missense changes on protein structure and function (PolyPhen-2) suggests that this variant is likely to be disruptive. This variant has not been reported in the literature in individuals affected with PALB2-related conditions. This variant is not present in population databases (gnomAD no frequency). This sequence change replaces proline, which is neutral and non-polar, with arginine, which is basic and polar, at codon 191 of the PALB2 protein (p.Pro191Arg).